The following is an entry in ClinVar:

NM_001270508.2(TNFAIP3):c.1054G>C (p.Glu352Gln)

Gene: TNFAIP3 (TNF alpha induced protein 3; plus strand). Cytogenetic location: 6q23.3.
Variant type: single nucleotide variant.
Coding change: c.1054G>C on transcript NM_001270508.2 (MANE Select); coding-DNA position 1054, G replaced by C.
Protein change: p.Glu352Gln; replaces glutamic acid 352 with glutamine.
Molecular consequence: missense variant.
Genome position (GRCh38, 1-based): chr6:137,878,499, G>C. VCF-style: chr6-137878499-G-C. GRCh37 (hg19) VCF-style: chr6-138199636-G-C.
Other names: c.1054G>C, p.Glu352Gln (NM_001270507.2, NM_006290.4); short protein forms E352Q.
Identifiers: ClinVar variation 1363617 (VCV001363617.8), dbSNP rs2114496555, ClinGen allele CA365788302.

ClinVar aggregate classification (germline): Uncertain significance (1 of 4 stars; one submission).

Submission:

Labcorp Genetics (formerly Invitae), Labcorp
Classification: Uncertain significance. Last evaluated: 2022-07-25. Review status: criteria provided, single submitter. Criteria: Invitae Variant Classification Sherloc (09022015). Collection method: clinical testing. Allele origin: germline.
Comment: In summary, the available evidence is currently insufficient to determine the role of this variant in disease. Therefore, it has been classified as a Variant of Uncertain Significance. Algorithms developed to predict the effect of missense changes on protein structure and function are either unavailable or do not agree on the potential impact of this missense change (SIFT: "Deleterious"; PolyPhen-2: "Probably Damaging"; Align-GVGD: "Class C0"). ClinVar contains an entry for this variant (Variation ID: 1363617). This variant has not been reported in the literature in individuals affected with TNFAIP3-related conditions. This variant is not present in population databases (gnomAD no frequency). This sequence change replaces glutamic acid, which is acidic and polar, with glutamine, which is neutral and polar, at codon 352 of the TNFAIP3 protein (p.Glu352Gln).